The following is an entry in ClinVar:

NM_000535.7(PMS2):c.1571del (p.Pro524fs)

Gene: PMS2 (PMS1 homolog 2, mismatch repair system component; minus strand). Cytogenetic location: 7p22.1.
Variant type: Deletion.
Coding change: c.1571del on transcript NM_000535.7 (MANE Select); coding-DNA position 1571, one base deleted (C; older notation c.1571delC).
Protein change: p.Pro524fs; shifts the reading frame from proline 524.
Molecular consequence: frameshift variant. On other transcripts: non-coding transcript variant (1).
Genome position (GRCh38, 1-based): chr7:5,987,194, G deleted on the plus strand (C on the coding strand, the reverse complement: PMS2 is on the minus strand); the first of 4 consecutive G bases (chr7:5,987,194-5,987,197); deleting any one gives the same sequence. VCF-style (leftmost placement, unchanged base first): chr7-5987193-TG-T. GRCh37 (hg19) VCF-style: chr7-6026824-TG-T.
Other names: c.1163delC, p.Pro389Glnfs (NM_001018040.1, NM_001406887.1, NM_001406888.1 and 13 more transcripts); c.1166del, p.Pro389fs (NM_001322003.2, NM_001322004.2, NM_001322005.2 and 1 more transcripts); c.1415del, p.Pro472fs (NM_001322006.2); c.1253del, p.Pro418fs (NM_001322007.2, NM_001322008.2); c.1010del, p.Pro337fs (NM_001322010.2); c.638del, p.Pro213fs (NM_001322011.2, NM_001322012.2); c.998del, p.Pro333fs (NM_001322013.2); c.1571del, p.Pro524fs (NM_001322014.2); and 20 more; short protein forms P333fs, P389fs, P421fs, P524fs, P337fs, P418fs, P213fs, P472fs.
Identifiers: ClinVar variation 1775514 (VCV001775514.3), dbSNP rs1554297534, ClinGen allele CA913188237.

ClinVar aggregate classification (germline): Pathogenic (1 of 4 stars; one submission).

Conditions:
Hereditary cancer-predisposing syndrome. Also called: Hereditary Cancer Syndrome; Hereditary neoplastic syndrome; Neoplastic Syndromes, Hereditary; Tumor predisposition. Identifiers: Orphanet 140162, MedGen C0027672, MeSH D009386, MONDO:0015356.

Submission:

Ambry Genetics
Classification: Pathogenic for Hereditary cancer-predisposing syndrome. Last evaluated: 2026-07-17. Review status: criteria provided, single submitter. Criteria: Ambry Variant Classification Scheme 2023. Collection method: clinical testing. Allele origin: germline.
Comment: The c.1571delC pathogenic mutation, located in coding exon 11 of the PMS2 gene, results from a deletion of one nucleotide at nucleotide position 1571, causing a translational frameshift with a predicted alternate stop codon (p.P524Qfs*71). This variant is considered to be rare based on population cohorts in the Genome Aggregation Database (gnomAD). This alteration is expected to result in loss of function by premature protein truncation or nonsense-mediated mRNA decay. As such, this alteration is interpreted as a disease-causing mutation.